The following is an entry in ClinVar:

ClinVar aggregate classification (germline): Uncertain significance (1 of 4 stars; one submission).

Conditions:
Megaconial type congenital muscular dystrophy (MDCMC). Also called: CHKB-Related Muscular Dystrophy; CHKB-Related Muscle Diseases; MUSCULAR DYSTROPHY, CONGENITAL, WITH MITOCHONDRIAL STRUCTURAL ABNORMALITIES. Identifiers: Orphanet 280671, MedGen C1865233, MONDO:0011246, OMIM 602541.

Allele frequency attached by ClinVar (database versions not stated): gnomAD exomes below 0.00001; TOPMed below 0.00001.
gnomAD v4.1: 4 of 1,613,904 alleles (0.00025%); highest among the groups gnomAD compares: Non-Finnish European, 0.00025%; no homozygotes.

Submission:

Labcorp Genetics (formerly Invitae), Labcorp
Classification: Uncertain significance for Muscular dystrophy, congenital, megaconial type. Last evaluated: 2020-01-06. Review status: criteria provided, single submitter. Criteria: Invitae Variant Classification Sherloc (09022015). Collection method: clinical testing. Allele origin: germline.
Comment: This sequence change replaces glutamine with proline at codon 387 of the CHKB protein (p.Gln387Pro). The glutamine residue is moderately conserved and there is a moderate physicochemical difference between glutamine and proline. This variant is not present in population databases (ExAC no frequency). This variant has not been reported in the literature in individuals with CHKB-related conditions. Algorithms developed to predict the effect of missense changes on protein structure and function (SIFT, PolyPhen-2, Align-GVGD) all suggest that this variant is likely to be tolerated, but these predictions have not been confirmed by published functional studies and their clinical significance is uncertain. In summary, the available evidence is currently insufficient to determine the role of this variant in disease. Therefore, it has been classified as a Variant of Uncertain Significance.

NM_005198.5(CHKB):c.1160A>C (p.Gln387Pro)

Genes: CHKB (choline kinase beta; minus strand), CHKB-CPT1B (CHKB-CPT1B readthrough (NMD candidate); minus strand). Cytogenetic location: 22q13.33.
Variant type: single nucleotide variant.
Coding change: c.1160A>C on transcript NM_005198.5 (MANE Select); coding-DNA position 1160, A replaced by C.
Protein change: p.Gln387Pro; replaces glutamine 387 with proline.
Molecular consequence: missense variant. On other transcripts: non-coding transcript variant (1).
Genome position (GRCh38, 1-based): chr22:50,579,209, T>G on the plus strand (A>C on the coding strand, the complement: CHKB is on the minus strand). VCF-style: chr22-50579209-T-G. GRCh37 (hg19) VCF-style: chr22-51017638-T-G.
Other names: short protein forms Q387P.
Identifiers: ClinVar variation 844040 (VCV000844040.1), dbSNP rs1389494045, ClinGen allele CA412194075.
Genomic context (GRCh38, chr22:50,579,209, plus strand): 5'-CCAGGAGAAATCCAAGGAGTGGGAGGGTGGAGTCAGGATGAGGAGTGGACACTGGTCAGC[T>G]GCCCCTTCTGCTGGAAGTAGAACTGGAACCGAGACTGGGCATAGTCCTAGGGAAGGAAAC-3'
Protein context (NP_005189.2, residues 377-395): RFQFYFQQKG[Gln387Pro]LTSVHSSS